The following is an entry in ClinVar:

NM_001048174.2(MUTYH):c.629A>C (p.Asn210Thr)

Gene: MUTYH (mutY DNA glycosylase; minus strand). Cytogenetic location: 1p34.1.
Variant type: single nucleotide variant.
Coding change: c.629A>C on transcript NM_001048174.2 (MANE Select); coding-DNA position 629, A replaced by C.
Protein change: p.Asn210Thr; replaces asparagine 210 with threonine.
Molecular consequence: missense variant. On other transcripts: non-coding transcript variant (2).
Genome position (GRCh38, 1-based): chr1:45,332,466, T>G on the plus strand (A>C on the coding strand, the complement: MUTYH is on the minus strand). VCF-style: chr1-45332466-T-G. GRCh37 (hg19) VCF-style: chr1-45798138-T-G.
Other names: c.353A>C, p.Asn118Thr (NM_001293196.2, NM_001293192.2); c.284A>C, p.Asn95Thr (NM_001350650.2, NM_001350651.2); c.704A>C, p.Asn235Thr (NM_012222.3); c.629A>C, p.Asn210Thr (NM_001048171.2, NM_001048173.2, NM_001293195.2); c.632A>C, p.Asn211Thr (NM_001048172.2); c.713A>C, p.Asn238Thr (NM_001128425.2); c.674A>C, p.Asn225Thr (NM_001293190.2); c.662A>C, p.Asn221Thr (NM_001293191.2); short protein forms N238T, N211T, N118T, N225T, N221T, N235T, N210T, N95T.
Identifiers: ClinVar variation 419292 (VCV000419292.13), dbSNP rs1057517765, ClinGen allele CA16617163.

ClinVar aggregate classification (germline): Conflicting classifications of pathogenicity. Review status: criteria provided, conflicting classifications (1 of 4 stars). 4 submissions from 4 submitters: Likely pathogenic (1); Uncertain significance (3). Last evaluated 2026-07-15.

Conditions:
Hereditary cancer-predisposing syndrome. Also called: Hereditary Cancer Syndrome; Hereditary neoplastic syndrome; Neoplastic Syndromes, Hereditary; Tumor predisposition. Identifiers: Orphanet 140162, MedGen C0027672, MeSH D009386, MONDO:0015356.
Familial adenomatous polyposis 2. Also called: MUTYH-associated polyposis; Adenomas, multiple colorectal; ADENOMAS, MULTIPLE COLORECTAL, AUTOSOMAL RECESSIVE; FAP type 2; MUTYH-related attenuated familial adenomatous polyposis; MYH-associated polyposis. Identifiers: Orphanet 220460, Orphanet 247798, MedGen C3272841, MONDO:0012041, OMIM 608456.

Submissions (4):

Myriad Genetics, Inc.
Classification: Likely pathogenic for Familial adenomatous polyposis 2. Last evaluated: 2026-07-15. Review status: criteria provided, single submitter. Criteria: Myriad Autosomal Dominant, Autosomal Recessive and X-Linked Classification Criteria (2023). Collection method: clinical testing. Allele origin: unknown.
Comment: This variant is considered likely pathogenic. Functional studies indicate this variant impacts protein function [PMID: 40738107]. This variant is expected to disrupt protein structure [Myriad internal data].

Labcorp Genetics (formerly Invitae), Labcorp
Classification: Uncertain significance for Familial adenomatous polyposis 2. Last evaluated: 2024-04-22. Review status: criteria provided, single submitter. Criteria: Invitae Variant Classification Sherloc (09022015). Collection method: clinical testing. Allele origin: germline.
Comment: This sequence change replaces asparagine, which is neutral and polar, with threonine, which is neutral and polar, at codon 238 of the MUTYH protein (p.Asn238Thr). This variant is not present in population databases (gnomAD no frequency). This variant has not been reported in the literature in individuals affected with MUTYH-related conditions. ClinVar contains an entry for this variant (Variation ID: 419292). An algorithm developed to predict the effect of missense changes on protein structure and function (PolyPhen-2) suggests that this variant is likely to be disruptive. In summary, the available evidence is currently insufficient to determine the role of this variant in disease. Therefore, it has been classified as a Variant of Uncertain Significance.

Ambry Genetics
Classification: Uncertain significance for Hereditary cancer-predisposing syndrome. Last evaluated: 2023-07-21. Review status: criteria provided, single submitter. Criteria: Ambry Variant Classification Scheme 2023. Collection method: clinical testing. Allele origin: germline.
Comment: The p.N238T variant (also known as c.713A>C), located in coding exon 9 of the MUTYH gene, results from an A to C substitution at nucleotide position 713. The asparagine at codon 238 is replaced by threonine, an amino acid with similar properties. This amino acid position is highly conserved in available vertebrate species. In addition, this alteration is predicted to be deleterious by in silico analysis. Since supporting evidence is limited at this time, the clinical significance of this alteration remains unclear.

GeneDx
Classification: Uncertain significance. Last evaluated: 2015-06-22. Review status: criteria provided, single submitter. Criteria: GeneDx Variant Classification (06012015). Collection method: clinical testing. Allele origin: germline. Affected: yes.
Comment: This variant is denoted MUTYH c.713A>C at the cDNA level, p.Asn238Thr (N238T) at the protein level, and results in the change of an Asparagine to a Threonine (AAC>ACC). This variant has not, to our knowledge, been published in the literature as pathogenic or benign. MUTYH Asn238Thr was not observed in approximately 6,500 individuals of European and African American ancestry in the NHLBI Exome Sequencing Project, indicating it is not a common benign variant in these populations. Since Asparagine and Threonine share similar properties, this is considered a conservative amino acid substitution. MUTYH Asn238Thr occurs at a position that is conserved across species and is located in the FES cluster domain (Ruggieri 2013). In silico analyses predict that this variant is probably damaging to protein structure and function. Based on currently available information, it is unclear whether MUTYH Asn238Thr is pathogenic or benign. We consider it to be a variant of uncertain significance.

Literature cited by the submitters: PubMed 40738107 (cited by Myriad Genetics, Inc.); PubMed 18515411 (cited by Ambry Genetics); PubMed 19732775 (cited by Ambry Genetics).